The following is an entry in ClinVar:

ClinVar aggregate classification (germline): Uncertain significance (1 of 4 stars; one submission).

Conditions:
Dyskeratosis congenita. Identifiers: Orphanet 1775, MedGen C0265965, MONDO:0015780.

Submission:

Ambry Genetics
Classification: Uncertain significance for Dyskeratosis congenita. Last evaluated: 2025-07-09. Review status: criteria provided, single submitter. Criteria: Ambry Variant Classification Scheme 2023. Collection method: clinical testing. Allele origin: germline.
Comment: The p.R613G variant (also known as c.1837A>G), located in coding exon 4 of the TERT gene, results from an A to G substitution at nucleotide position 1837. The arginine at codon 613 is replaced by glycine, an amino acid with dissimilar properties. This amino acid position is conserved. In addition, the in silico prediction for this alteration is inconclusive. Based on the available evidence, the clinical significance of this variant remains unclear.

NM_198253.3(TERT):c.1837A>G (p.Arg613Gly)

Gene: TERT (telomerase reverse transcriptase; minus strand). Cytogenetic location: 5p15.33.
Variant type: single nucleotide variant.
Coding change: c.1837A>G on transcript NM_198253.3 (MANE Select); coding-DNA position 1837, A replaced by G.
Protein change: p.Arg613Gly; replaces arginine 613 with glycine.
Molecular consequence: missense variant. On other transcripts: non-coding transcript variant (2).
Genome position (GRCh38, 1-based): chr5:1,280,271, T>C on the plus strand (A>G on the coding strand, the complement: TERT is on the minus strand). VCF-style: chr5-1280271-T-C. GRCh37 (hg19) VCF-style: chr5-1280386-T-C.
Other names: c.1837A>G, p.Arg613Gly (NM_001193376.3); short protein forms R613G.
Identifiers: ClinVar variation 4182785 (VCV004182785.1).
Genomic context (GRCh38, chr5:1,280,271, plus strand): 5'-TCGGCCGCAGCCCGTCAGGCTTGGGGATGAAGCGGAGTCTGGACGTCAGCAGGGCGGGCC[T>C]GGCTTCCCGATGCTGCCTGACCTCTGCTTCCGACAGCTCCCGCAGCTGCACCCTCTTCAA-3'
Protein context (NP_937983.2, residues 603-623): EAEVRQHREA[Arg613Gly]PALLTSRLRF